The following is an entry in ClinVar:

NM_004100.5(EYA4):c.823G>A (p.Ala275Thr)

Gene: EYA4 (EYA transcriptional coactivator and phosphatase 4; plus strand). Cytogenetic location: 6q23.2.
Variant type: single nucleotide variant.
Coding change: c.823G>A on transcript NM_004100.5 (MANE Select); coding-DNA position 823, G replaced by A.
Protein change: p.Ala275Thr; replaces alanine 275 with threonine.
Molecular consequence: missense variant.
Genome position (GRCh38, 1-based): chr6:133,468,584, G>A. VCF-style: chr6-133468584-G-A. GRCh37 (hg19) VCF-style: chr6-133789722-G-A.
Other names: c.661G>A, p.Ala221Thr (NM_001301012.2, NM_001370459.1); c.823G>A, p.Ala275Thr (NM_001301013.2, NM_172105.4); c.754G>A, p.Ala252Thr (NM_001370458.1, NM_172103.4); short protein forms A221T, A252T, A275T.
Identifiers: ClinVar variation 4870717 (VCV004870717.1).

ClinVar aggregate classification (germline): Uncertain significance (1 of 4 stars; one submission).

Conditions:
Cardiovascular phenotype. Identifiers: MedGen CN230736.

gnomAD v4.1: 1 of 1,611,820 alleles (0.000062%); highest among the groups gnomAD compares: East Asian, 0.0022%; no homozygotes.

Submission:

Ambry Genetics
Classification: Uncertain significance for Cardiovascular phenotype. Last evaluated: 2026-04-29. Review status: criteria provided, single submitter. Criteria: Ambry Variant Classification Scheme 2023. Collection method: clinical testing. Allele origin: germline.
Comment: The p.A275T variant (also known as c.823G>A), located in coding exon 10 of the EYA4 gene, results from a G to A substitution at nucleotide position 823. The alanine at codon 275 is replaced by threonine, an amino acid with similar properties. This amino acid position is not well conserved in available vertebrate species. In addition, this alteration is predicted to be tolerated by in silico analysis. Based on the available evidence, the clinical significance of this variant remains unclear.